The following is an entry in ClinVar:

ClinVar aggregate classification (germline): Conflicting classifications of pathogenicity. Review status: criteria provided, conflicting classifications (1 of 4 stars). 3 submissions from 3 submitters: Uncertain significance (2); Likely benign (1). Last evaluated 2026-01-19.

Conditions:
Hypogonadotropic hypogonadism 5 with or without anosmia (KAL5). Also called: HYPOGONADOTROPIC HYPOGONADISM 5 WITH ANOSMIA; HYPOGONADOTROPHIC HYPOGONADISM 5 WITHOUT ANOSMIA; CHD7-Related GnRH Deficiency (Kallmann Syndrome 5). Identifiers: Orphanet 478, MedGen C3552553, MONDO:0012880, OMIM 612370. Disease mechanism: loss of function.
CHARGE syndrome (CHARGE). Also called: CHARGE ASSOCIATION--COLOBOMA, HEART ANOMALY, CHOANAL ATRESIA, RETARDATION, GENITAL AND EAR ANOMALIES; Coloboma, heart anomaly, choanal atresia, retardation, genital and ear anomalies; CHARGE association; Hall-Hittner syndrome; Hittner Hirsch Kreh syndrome. Identifiers: Orphanet 138, MedGen C0265354, MONDO:0008965.

Allele frequency attached by ClinVar (database versions not stated): TOPMed 0.00002; ExAC 0.00004.
gnomAD v4.1: 63 of 1,558,422 alleles (0.004%); highest among the groups gnomAD compares: Non-Finnish European, 0.0053%; no homozygotes.

Submissions (3):

Labcorp Genetics (formerly Invitae), Labcorp
Classification: Likely benign for CHARGE syndrome. Last evaluated: 2026-01-19. Review status: criteria provided, single submitter. Criteria: Invitae Variant Classification Sherloc (09022015). Collection method: clinical testing. Allele origin: germline.

Illumina Laboratory Services, Illumina
Classification: Uncertain significance for Kallmann Syndrome 5. Last evaluated: 2018-01-13. Review status: criteria provided, single submitter. Criteria: ICSL Variant Classification Criteria 13 December 2019. Collection method: clinical testing. Allele origin: germline.

GeneDx
Classification: Uncertain significance. Last evaluated: 2016-06-02. Review status: criteria provided, single submitter. Criteria: GeneDx Variant Classification (06012015). Collection method: clinical testing. Allele origin: germline. Affected: yes.
Comment: The D1878G variant in the CHD7 gene has not been reported previously as a pathogenic variant, nor as a benign variant, to our knowledge. The D1878G variant was not observed in approximately 6,100 individuals of European and African American ancestry in the NHLBI Exome Sequencing Project, indicating it is not a common benign variant in these populations. The D1878G variant is a non-conservative amino acid substitution, which is likely to impact secondary protein structure as these residues differ in polarity, charge, size and/or other properties. This substitution occurs at a position that is conserved across species. In silico analysis is inconsistent in its predictions as to whether or not the variant is damaging to the protein structure/function. As an alternate mechanism, this variant (c.5633 A>G) is predicted to create a cryptic donor site upstream of the canonical donor splice site of intron 28, which may cause abnormal splicing. However, in the absence of RNA/functional studies, the actual effect of c.5633 A>G in this individual is unknown. We interpret D1878G as a variant of uncertain significance.

NM_017780.4(CHD7):c.5633A>G (p.Asp1878Gly)

Gene: CHD7 (chromodomain helicase DNA binding protein 7; plus strand). Cytogenetic location: 8q12.2.
Variant type: single nucleotide variant.
Coding change: c.5633A>G on transcript NM_017780.4 (MANE Select); coding-DNA position 5633, A replaced by G.
Protein change: p.Asp1878Gly; replaces aspartic acid 1878 with glycine.
Molecular consequence: missense variant. On other transcripts: intron variant (1).
Genome position (GRCh38, 1-based): chr8:60,851,287, A>G. VCF-style: chr8-60851287-A-G. GRCh37 (hg19) VCF-style: chr8-61763846-A-G.
Other names: c.5633A>G (LRG_176t1); c.1717-10942A>G (NM_001316690.1); short protein forms D1878G.
Identifiers: ClinVar variation 363468 (VCV000363468.16), dbSNP rs749861487, ClinGen allele CA4760425.